The following is an entry in ClinVar:

ClinVar aggregate classification (germline): Pathogenic. Review status: criteria provided, multiple submitters, no conflicts (2 of 4 stars). 2 submissions from 2 submitters: Pathogenic (2). Last evaluated 2026-05-11.

Conditions:
Interstitial lung disease due to ABCA3 deficiency. Also called: PULMONARY ALVEOLAR PROTEINOSIS, CONGENITAL, 3. Identifiers: Orphanet 440402, MedGen C1970456, MONDO:0012582, OMIM 610921.

gnomAD v4.1: 1 of 1,613,834 alleles (0.000062%); highest among the groups gnomAD compares: African/African-American, 0.0013%; no homozygotes.

Submissions (2):

Women's Health and Genetics/Laboratory Corporation of America, LabCorp
Classification: Pathogenic for Interstitial lung disease due to ABCA3 deficiency. Last evaluated: 2026-05-11. Review status: criteria provided, single submitter. Criteria: LabCorp Variant Classification Summary - May 2015. Collection method: clinical testing. Allele origin: germline.
Comment: Variant summary: ABCA3 c.706C>T (p.Gln236X) results in a premature termination codon, predicted to cause a truncation of the encoded protein or absence of the protein due to nonsense mediated decay, which are commonly known mechanisms for disease. Loss-of-function variants in this gene are known to be pathogenic. The variant allele was found at a frequency of 4e-06 in 251146 control chromosomes. To our knowledge, no occurrence of c.706C>T in individuals affected with ABCA3-related conditions and no experimental evidence demonstrating its impact on protein function have been reported. No submitters have cited clinical-significance assessments for this variant to ClinVar. Based on the evidence outlined above, the variant was classified as pathogenic.

Myriad Genetics, Inc.
Classification: Pathogenic for Interstitial lung disease due to ABCA3 deficiency. Last evaluated: 2025-10-07. Review status: criteria provided, single submitter. Criteria: Myriad Autosomal Dominant, Autosomal Recessive and X-Linked Classification Criteria (2023). Collection method: clinical testing. Allele origin: unknown.
Comment: NM_001089.2(ABCA3):c.706C>T(Q236*) is expected to be pathogenic in the context of surfactant deficiency, ABCA3-related. This variant is predicted to lead to an abnormal or absent protein product due to the creation of a premature termination codon in ABCA3, a gene where loss-of-function variants are known to be pathogenic. Please note: this variant was assessed in the context of healthy population screening.

NM_001089.3(ABCA3):c.706C>T (p.Gln236Ter)

Gene: ABCA3 (ATP binding cassette subfamily A member 3; minus strand). Cytogenetic location: 16p13.3.
Variant type: single nucleotide variant.
Coding change: c.706C>T on transcript NM_001089.3 (MANE Select); coding-DNA position 706, C replaced by T.
Protein change: p.Gln236Ter; replaces glutamine 236 with a stop codon.
Molecular consequence: nonsense.
Genome position (GRCh38, 1-based): chr16:2,319,748, G>A on the plus strand (C>T on the coding strand, the complement: ABCA3 is on the minus strand). VCF-style: chr16-2319748-G-A. GRCh37 (hg19) VCF-style: chr16-2369749-G-A.
Other names: short protein forms Q236*.
Identifiers: ClinVar variation 4853309 (VCV004853309.2).